The following is an entry in ClinVar:

NM_000051.4(ATM):c.6716T>C (p.Met2239Thr)

Genes: ATM (ATM serine/threonine kinase; plus strand), C11orf65 (chromosome 11 open reading frame 65; minus strand). Cytogenetic location: 11q22.3.
Variant type: single nucleotide variant.
Coding change: c.6716T>C on transcript NM_000051.4 (MANE Select); coding-DNA position 6716, T replaced by C.
Protein change: p.Met2239Thr; replaces methionine 2239 with threonine.
Molecular consequence: missense variant. On other transcripts: intron variant (2).
Genome position (GRCh38, 1-based): chr11:108,325,453, T>C. VCF-style: chr11-108325453-T-C. GRCh37 (hg19) VCF-style: chr11-108196180-T-C.
Other names: c.6716T>C, p.Met2239Thr (NM_001351834.2); c.641-16382A>G (NM_001330368.2); c.*38+9767A>G (NM_001351110.2); short protein forms M2239T.
Identifiers: ClinVar variation 1717959 (VCV001717959.6), dbSNP rs2547204556, ClinGen allele CA382555037.

ClinVar aggregate classification (germline): Uncertain significance (1 of 4 stars; one submission).

Conditions:
Ataxia-telangiectasia syndrome (AT). Also called: Ataxia telangiectasia (A-T); LOUIS-BAR SYNDROME; Cerebello-oculocutaneous telangiectasia; Immunodeficiency with ataxia telangiectasia; Ataxia-telangiectasia, complementation group D; AT, COMPLEMENTATION GROUP C. Identifiers: Orphanet 100, MedGen C0004135, MONDO:0008840, OMIM 208900.

Allele frequency attached by ClinVar (database versions not stated): gnomAD exomes below 0.00001.
gnomAD v4.1: 1 of 1,613,856 alleles (0.000062%); highest among the groups gnomAD compares: South Asian, 0.0011%; no homozygotes.

Submission:

Labcorp Genetics (formerly Invitae), Labcorp
Classification: Uncertain significance for Ataxia-telangiectasia syndrome. Last evaluated: 2022-08-24. Review status: criteria provided, single submitter. Criteria: Invitae Variant Classification Sherloc (09022015). Collection method: clinical testing. Allele origin: germline.
Comment: In summary, the available evidence is currently insufficient to determine the role of this variant in disease. Therefore, it has been classified as a Variant of Uncertain Significance. Advanced modeling of protein sequence and biophysical properties (such as structural, functional, and spatial information, amino acid conservation, physicochemical variation, residue mobility, and thermodynamic stability) performed at Invitae indicates that this missense variant is not expected to disrupt ATM protein function. This variant has not been reported in the literature in individuals affected with ATM-related conditions. This variant is not present in population databases (gnomAD no frequency). This sequence change replaces methionine, which is neutral and non-polar, with threonine, which is neutral and polar, at codon 2239 of the ATM protein (p.Met2239Thr).